The following is an entry in ClinVar:

ClinVar aggregate classification (germline): Uncertain significance. Review status: criteria provided, multiple submitters, no conflicts (2 of 4 stars). 2 submissions from 2 submitters: Uncertain significance (2). Last evaluated 2026-01-08.

Conditions:
Developmental and epileptic encephalopathy, 69. Also called: EPILEPTIC ENCEPHALOPATHY, EARLY INFANTILE, 69. Identifiers: MedGen C4748988, MONDO:0032657, OMIM 618285.

gnomAD v4.1: 36 of 1,613,850 alleles (0.0022%); highest among the groups gnomAD compares: Non-Finnish European, 0.0029%; no homozygotes.

Submissions (2):

Dasa
Classification: Uncertain significance. Last evaluated: 2026-01-08. Review status: criteria provided, single submitter. Criteria: DASA Assertion Criteria. Collection method: clinical testing. Allele origin: germline.
Comment: NM_001205293.3(CACNA1E):c.5078G>A (p.Arg1693His) is a missense variant that results in the substitution of arginine with histidine. This variant is rare in population databases. Computational prediction algorithms are consistent with a deleterious effect. The currently available literature and clinical evidence are not sufficient to establish a definitive association between this variant and the reported condition. Therefore, this variant is classified as a variant of uncertain significance.

Juno Genomics, Hangzhou Juno Genomics, Inc
Classification: Uncertain significance for Developmental and epileptic encephalopathy, 69. Review status: criteria provided, single submitter. Criteria: ACMG Guidelines, 2015. Collection method: clinical testing. Allele origin: germline.
Comment: Absent from controls (or at extremely low frequency if recessive) in Genome Aggregation Database.;Missense variant in a gene that has a low rate of benign missense variation.;Multiple lines of computational evidence support a deleterious effect on the gene or gene product.

NM_001205293.3(CACNA1E):c.5078G>A (p.Arg1693His)

Gene: CACNA1E (calcium voltage-gated channel subunit alpha1 E; plus strand). Cytogenetic location: 1q25.3.
Variant type: single nucleotide variant.
Coding change: c.5078G>A on transcript NM_001205293.3 (MANE Select); coding-DNA position 5078, G replaced by A.
Protein change: p.Arg1693His; replaces arginine 1693 with histidine.
Molecular consequence: missense variant.
Genome position (GRCh38, 1-based): chr1:181,772,170, G>A. VCF-style: chr1-181772170-G-A. GRCh37 (hg19) VCF-style: chr1-181741306-G-A.
Other names: c.5021G>A, p.Arg1674His (NM_001205294.2); c.5078G>A, p.Arg1693His (NM_000721.4); short protein forms R1674H, R1693H.
Identifiers: ClinVar variation 5018691 (VCV005018691.2).